The following is an entry in ClinVar:

NM_001099274.3(TINF2):c.1289C>T (p.Pro430Leu)

Gene: TINF2 (TERF1 interacting nuclear factor 2; minus strand). Cytogenetic location: 14q12.
Variant type: single nucleotide variant.
Coding change: c.1289C>T on transcript NM_001099274.3 (MANE Select); coding-DNA position 1289, C replaced by T.
Protein change: p.Pro430Leu; replaces proline 430 with leucine.
Molecular consequence: missense variant. On other transcripts: 3 prime UTR variant (1).
Genome position (GRCh38, 1-based): chr14:24,239,864, G>A on the plus strand (C>T on the coding strand, the complement: TINF2 is on the minus strand). VCF-style: chr14-24239864-G-A. GRCh37 (hg19) VCF-style: chr14-24709070-G-A.
Other names: c.1184C>T, p.Pro395Leu (NM_001363668.2); c.*551C>T (NM_012461.3); short protein forms P430L, P395L.
Identifiers: ClinVar variation 2894784 (VCV002894784.3), dbSNP rs745331482, ClinGen allele CA7130423.

ClinVar aggregate classification (germline): Uncertain significance (1 of 4 stars; one submission).

Conditions:
Dyskeratosis congenita. Identifiers: Orphanet 1775, MedGen C0265965, MONDO:0015780.

Allele frequency attached by ClinVar (database versions not stated): ExAC 0.00001; TOPMed 0.00001; gnomAD 0.00003.

Submission:

Labcorp Genetics (formerly Invitae), Labcorp
Classification: Uncertain significance for Dyskeratosis congenita. Last evaluated: 2024-01-29. Review status: criteria provided, single submitter. Criteria: Invitae Variant Classification Sherloc (09022015). Collection method: clinical testing. Allele origin: germline.
Comment: This sequence change replaces proline, which is neutral and non-polar, with leucine, which is neutral and non-polar, at codon 430 of the TINF2 protein (p.Pro430Leu). This variant is present in population databases (rs745331482, gnomAD 0.009%). This variant has not been reported in the literature in individuals affected with TINF2-related conditions. An algorithm developed to predict the effect of missense changes on protein structure and function (PolyPhen-2) suggests that this variant is likely to be disruptive. In summary, the available evidence is currently insufficient to determine the role of this variant in disease. Therefore, it has been classified as a Variant of Uncertain Significance.